The following is an entry in ClinVar:

NM_030665.4(RAI1):c.1311G>A (p.Ala437=)

Gene: RAI1 (retinoic acid induced 1; plus strand). Cytogenetic location: 17p11.2.
Variant type: single nucleotide variant.
Coding change: c.1311G>A on transcript NM_030665.4 (MANE Select); coding-DNA position 1311, G replaced by A.
Protein change: p.Ala437=; no amino-acid change (alanine 437 retained).
Molecular consequence: synonymous variant.
Genome position (GRCh38, 1-based): chr17:17,794,259, G>A. VCF-style: chr17-17794259-G-A. GRCh37 (hg19) VCF-style: chr17-17697573-G-A.
Other names: c.1311G>A (NM_030665.3).
Identifiers: ClinVar variation 1596688 (VCV001596688.9), dbSNP rs752493689, ClinGen allele CA8418310.

ClinVar aggregate classification (germline): Likely benign. Review status: criteria provided, single submitter (1 of 4 stars). 2 submissions from 2 submitters: Likely benign (1). 1 of the submissions does not count toward it. Last evaluated 2024-07-01.

Conditions:
RAI1-related disorder. Also called: RAI1-related condition.

Allele frequency attached by ClinVar (database versions not stated): gnomAD 0.00001 and 0.00002; TOPMed 0.00001; gnomAD exomes 0.00002; ExAC 0.00003.
gnomAD v4.1: 31 of 1,613,158 alleles (0.0019%); highest among the groups gnomAD compares: South Asian, 0.0099%; no homozygotes.

Submissions (2):

Labcorp Genetics (formerly Invitae), Labcorp
Classification: Likely benign. Last evaluated: 2024-07-01. Review status: criteria provided, single submitter. Criteria: Invitae Variant Classification Sherloc (09022015). Collection method: clinical testing. Allele origin: germline.

PreventionGenetics, part of Exact Sciences
Classification: Likely benign for RAI1-related condition. Last evaluated: 2023-09-08. Review status: no assertion criteria provided. Collection method: clinical testing. Allele origin: germline. Not counted in ClinVar's aggregate classification.
Comment: This variant is classified as likely benign based on ACMG/AMP sequence variant interpretation guidelines (Richards et al. 2015 PMID: 25741868, with internal and published modifications).